The following is an entry in ClinVar:

NM_001197104.2(KMT2A):c.3163G>C (p.Glu1055Gln)

Gene: KMT2A (lysine methyltransferase 2A; plus strand). Cytogenetic location: 11q23.3.
Variant type: single nucleotide variant.
Coding change: c.3163G>C on transcript NM_001197104.2 (MANE Select); coding-DNA position 3163, G replaced by C.
Protein change: p.Glu1055Gln; replaces glutamic acid 1055 with glutamine.
Molecular consequence: missense variant.
Genome position (GRCh38, 1-based): chr11:118,476,811, G>C. VCF-style: chr11-118476811-G-C. GRCh37 (hg19) VCF-style: chr11-118347526-G-C.
Other names: c.3262G>C, p.Glu1088Gln (NM_001412597.1); c.3163G>C, p.Glu1055Gln (NM_005933.4); short protein forms E1055Q, E1088Q.
Identifiers: ClinVar variation 1991333 (VCV001991333.4), dbSNP rs148458977, ClinGen allele CA6303628.

ClinVar aggregate classification (germline): Uncertain significance (1 of 4 stars; one submission).

Allele frequency attached by ClinVar (database versions not stated): ExAC 0.00001; gnomAD 0.00001; gnomAD exomes 0.00001; TOPMed 0.00001; ESP Exome Variant Server 0.00008.
gnomAD v4.1: 12 of 1,605,722 alleles (0.00075%); highest among the groups gnomAD compares: Non-Finnish European, 0.001%; no homozygotes.

Submission:

Labcorp Genetics (formerly Invitae), Labcorp
Classification: Uncertain significance. Last evaluated: 2026-01-05. Review status: criteria provided, single submitter. Criteria: Invitae Variant Classification Sherloc (09022015). Collection method: clinical testing. Allele origin: germline.
Comment: This sequence change replaces glutamic acid, which is acidic and polar, with glutamine, which is neutral and polar, at codon 1055 of the KMT2A protein (p.Glu1055Gln). This variant is not present in population databases (gnomAD no frequency). This variant has not been reported in the literature in individuals affected with KMT2A-related conditions. ClinVar contains an entry for this variant (Variation ID: 1991333). Invitae Evidence Modeling of protein sequence and biophysical properties (such as structural, functional, and spatial information, amino acid conservation, physicochemical variation, residue mobility, and thermodynamic stability) has been performed for this missense variant. However, the output from this modeling did not meet the statistical confidence thresholds required to predict the impact of this variant on KMT2A protein function. In summary, the available evidence is currently insufficient to determine the role of this variant in disease. Therefore, it has been classified as a Variant of Uncertain Significance.